The following is an entry in ClinVar:

ClinVar aggregate classification (germline): Conflicting classifications of pathogenicity. Review status: criteria provided, conflicting classifications (1 of 4 stars). 2 submissions from 2 submitters: Uncertain significance (1); Likely benign (1). Last evaluated 2026-03-23.

Conditions:
Hereditary cancer-predisposing syndrome. Also called: Tumor predisposition; Neoplastic Syndromes, Hereditary; Hereditary neoplastic syndrome; Hereditary Cancer Syndrome. Identifiers: Orphanet 140162, MedGen C0027672, MeSH D009386, MONDO:0015356.
Oligodontia-cancer predisposition syndrome. Also called: TOOTH AGENESIS-COLORECTAL CANCER SYNDROME. Identifiers: Orphanet 300576, MedGen C1837750, MONDO:0012075, OMIM 608615. Disease mechanism: loss of function.

Allele frequency attached by ClinVar (database versions not stated): TOPMed 0.00002.
gnomAD v4.1: 7 of 1,614,052 alleles (0.00043%); highest among the groups gnomAD compares: African/African-American, 0.004%; no homozygotes.

Submissions (2):

Ambry Genetics
Classification: Likely benign for Hereditary cancer-predisposing syndrome. Last evaluated: 2026-03-23. Review status: criteria provided, single submitter. Criteria: Ambry Variant Classification Scheme 2023. Collection method: clinical testing. Allele origin: germline.

Labcorp Genetics (formerly Invitae), Labcorp
Classification: Uncertain significance for Oligodontia-cancer predisposition syndrome. Last evaluated: 2025-12-21. Review status: criteria provided, single submitter. Criteria: Invitae Variant Classification Sherloc (09022015). Collection method: clinical testing. Allele origin: germline.
Comment: This sequence change replaces serine, which is neutral and polar, with threonine, which is neutral and polar, at codon 329 of the AXIN2 protein (p.Ser329Thr). This variant is present in population databases (rs774353403, gnomAD 0.004%). This variant has not been reported in the literature in individuals affected with AXIN2-related conditions. ClinVar contains an entry for this variant (Variation ID: 862300). An algorithm developed to predict the effect of missense changes on protein structure and function (PolyPhen-2) suggests that this variant is likely to be tolerated. In summary, the available evidence is currently insufficient to determine the role of this variant in disease. Therefore, it has been classified as a Variant of Uncertain Significance.

NM_004655.4(AXIN2):c.986G>C (p.Ser329Thr)

Gene: AXIN2 (axin 2; minus strand). Cytogenetic location: 17q24.1.
Variant type: single nucleotide variant.
Coding change: c.986G>C on transcript NM_004655.4 (MANE Select); coding-DNA position 986, G replaced by C.
Protein change: p.Ser329Thr; replaces serine 329 with threonine.
Molecular consequence: missense variant.
Genome position (GRCh38, 1-based): chr17:65,541,528, C>G on the plus strand (G>C on the coding strand, the complement: AXIN2 is on the minus strand). VCF-style: chr17-65541528-C-G. GRCh37 (hg19) VCF-style: chr17-63537646-C-G.
Other names: c.986G>C, p.Ser329Thr (NM_001363813.1); short protein forms S329T.
Identifiers: ClinVar variation 862300 (VCV000862300.12), dbSNP rs774353403, ClinGen allele CA8718905.
Genomic context (GRCh38, chr17:65,541,528, plus strand): 5'-AGAGACACTTGGCCATTGGCCTTCACACTGCGATGCATTTCTCTCTGGAGCTGTTTCTTA[C>G]TGCCCACACGATAAGGAGGAATTCCATCTCTAAGGGAAAGGAAAAGACAGAATCCACAGG-3'
Protein context (NP_004646.3, residues 319-339): VDGIPPYRVG[Ser329Thr]KKQLQREMHR